The following is an entry in ClinVar:

NM_024649.5(BBS1):c.12G>A (p.Ala4=)

Gene: BBS1 (Bardet-Biedl syndrome 1; plus strand). Cytogenetic location: 11q13.2.
Variant type: single nucleotide variant.
Coding change: c.12G>A on transcript NM_024649.5 (MANE Select); coding-DNA position 12, G replaced by A.
Protein change: p.Ala4=; no amino-acid change (alanine 4 retained).
Molecular consequence: synonymous variant.
Genome position (GRCh38, 1-based): chr11:66,510,671, G>A. VCF-style: chr11-66510671-G-A. GRCh37 (hg19) VCF-style: chr11-66278142-G-A.
Other names: c.12G>A (NM_024649.4).
Identifiers: ClinVar variation 1083845 (VCV001083845.10), dbSNP rs754161831, ClinGen allele CA6123180.

ClinVar aggregate classification (germline): Likely benign. Review status: criteria provided, multiple submitters, no conflicts (2 of 4 stars). 2 submissions from 2 submitters: Likely benign (2). Last evaluated 2025-12-30.

Conditions:
Bardet-Biedl syndrome (BBS). Identifiers: Orphanet 110, MedGen C0752166, MONDO:0015229.
BBS1-related disorder. Also called: BBS1-related condition.

Allele frequency attached by ClinVar (database versions not stated): TOPMed 0.00001; ExAC 0.00002; gnomAD 0.00003; 1000 Genomes Project 30x 0.00031.
gnomAD v4.1: 32 of 1,614,166 alleles (0.002%); highest among the groups gnomAD compares: South Asian, 0.033%; no homozygotes.

Submissions (2):

Labcorp Genetics (formerly Invitae), Labcorp
Classification: Likely benign for Bardet-Biedl syndrome. Last evaluated: 2025-12-30. Review status: criteria provided, single submitter. Criteria: Invitae Variant Classification Sherloc (09022015). Collection method: clinical testing. Allele origin: germline.

PreventionGenetics, part of Exact Sciences
Classification: Likely benign for BBS1-related condition. Last evaluated: 2025-02-25. Review status: criteria provided, single submitter. Criteria: ACMG Guidelines, 2015. Collection method: clinical testing. Allele origin: germline.
Comment: This variant is classified as likely benign based on ACMG/AMP sequence variant interpretation guidelines (Richards et al. 2015 PMID: 25741868, with internal and published modifications).